The following is an entry in ClinVar:

NM_031844.3(HNRNPU):c.2252A>G (p.Tyr751Cys)

Gene: HNRNPU (heterogeneous nuclear ribonucleoprotein U; minus strand). Cytogenetic location: 1q44.
Variant type: single nucleotide variant.
Coding change: c.2252A>G on transcript NM_031844.3 (MANE Select); coding-DNA position 2252, A replaced by G.
Protein change: p.Tyr751Cys; replaces tyrosine 751 with cysteine.
Molecular consequence: missense variant.
Genome position (GRCh38, 1-based): chr1:244,855,524, T>C on the plus strand (A>G on the coding strand, the complement: HNRNPU is on the minus strand). VCF-style: chr1-244855524-T-C. GRCh37 (hg19) VCF-style: chr1-245018826-T-C.
Other names: c.2195A>G, p.Tyr732Cys (NM_004501.3); short protein forms Y732C, Y751C.
Identifiers: ClinVar variation 1472921 (VCV001472921.6), dbSNP rs772644265, ClinGen allele CA1486274.

ClinVar aggregate classification (germline): Uncertain significance (1 of 4 stars; one submission).

Conditions:
Developmental and epileptic encephalopathy, 54. Also called: Epileptic encephalopathy, early infantile, 54; HNRNPU-Related Neurodevelopmental Disorder. Identifiers: MedGen C4479319, MONDO:0033363, OMIM 617391.

Allele frequency attached by ClinVar (database versions not stated): TOPMed below 0.00001; ExAC 0.00001; gnomAD exomes 0.00001.
gnomAD v4.1: 9 of 1,614,058 alleles (0.00056%); highest among the groups gnomAD compares: East Asian, 0.0022%; no homozygotes.

Submission:

Labcorp Genetics (formerly Invitae), Labcorp
Classification: Uncertain significance for Developmental and epileptic encephalopathy, 54. Last evaluated: 2025-06-17. Review status: criteria provided, single submitter. Criteria: Invitae Variant Classification Sherloc (09022015). Collection method: clinical testing. Allele origin: germline.
Comment: This sequence change replaces tyrosine, which is neutral and polar, with cysteine, which is neutral and slightly polar, at codon 751 of the HNRNPU protein (p.Tyr751Cys). This variant is present in population databases (rs772644265, gnomAD 0.003%). This variant has not been reported in the literature in individuals affected with HNRNPU-related conditions. ClinVar contains an entry for this variant (Variation ID: 1472921). Invitae Evidence Modeling of protein sequence and biophysical properties (such as structural, functional, and spatial information, amino acid conservation, physicochemical variation, residue mobility, and thermodynamic stability) indicates that this missense variant is not expected to disrupt HNRNPU protein function with a negative predictive value of 95%. In summary, the available evidence is currently insufficient to determine the role of this variant in disease. Therefore, it has been classified as a Variant of Uncertain Significance.